The following is an entry in ClinVar:

ClinVar aggregate classification (germline): Uncertain significance (1 of 4 stars; one submission).

Conditions:
Microcephaly, normal intelligence and immunodeficiency (NBS). Also called: IMMUNODEFICIENCY, MICROCEPHALY, AND CHROMOSOMAL INSTABILITY; Immunodeficiency, microcephaly with normal intelligence; SEEMANOVA SYNDROME II; Ataxia telangiectasia variant V1; Microcephaly with normal intelligence immunodeficiency and lymphoreticular malignancies; Nonsyndromal microcephaly autosomal recessive with normal intelligence. Identifiers: Orphanet 647, MedGen C0398791, MONDO:0009623, OMIM 251260.

Submission:

Labcorp Genetics (formerly Invitae), Labcorp
Classification: Uncertain significance for Microcephaly, normal intelligence and immunodeficiency. Last evaluated: 2020-01-25. Review status: criteria provided, single submitter. Criteria: Invitae Variant Classification Sherloc (09022015). Collection method: clinical testing. Allele origin: germline.
Comment: This sequence change replaces leucine with glutamine at codon 5 of the NBN protein (p.Leu5Gln). The leucine residue is weakly conserved and there is a moderate physicochemical difference between leucine and glutamine. This variant is not present in population databases (ExAC no frequency). In summary, the available evidence is currently insufficient to determine the role of this variant in disease. Therefore, it has been classified as a Variant of Uncertain Significance. Algorithms developed to predict the effect of sequence changes on RNA splicing suggest that this variant may create or strengthen a splice site, but this prediction has not been confirmed by published transcriptional studies. Algorithms developed to predict the effect of missense changes on protein structure and function output the following: SIFT: "Tolerated"; PolyPhen-2: "Benign"; Align-GVGD: "Class C0". The glutamine amino acid residue is found in multiple mammalian species, suggesting that this missense change does not adversely affect protein function. These predictions have not been confirmed by published functional studies and their clinical significance is uncertain. This variant has not been reported in the literature in individuals with NBN-related disease.

NM_002485.5(NBN):c.14T>A (p.Leu5Gln)

Gene: NBN (nibrin; minus strand). Cytogenetic location: 8q21.3.
Variant type: single nucleotide variant.
Coding change: c.14T>A on transcript NM_002485.5 (MANE Select); coding-DNA position 14, T replaced by A.
Protein change: p.Leu5Gln; replaces leucine 5 with glutamine.
Molecular consequence: missense variant. On other transcripts: 5 prime UTR variant (1).
Genome position (GRCh38, 1-based): chr8:89,984,548, A>T on the plus strand (T>A on the coding strand, the complement: NBN is on the minus strand). VCF-style: chr8-89984548-A-T. GRCh37 (hg19) VCF-style: chr8-90996776-A-T.
Other names: c.-283T>A (NM_001024688.3); short protein forms L5Q.
Identifiers: ClinVar variation 640303 (VCV000640303.8), dbSNP rs1586116142, ClinGen allele CA371664190.
Genomic context (GRCh38, chr8:89,984,548, plus strand): 5'-GGGAAAATAGGCCCCGAGGCTTCCCTTCTGCCCTTACCTCCTGCCGGGCCCGCGGCGGGC[A>T]GCAGTTTCCACATCGGTCCGGCTCCTCAGGGCTGGGGCCGACGTGCAACCGCGTAACCGG-3'
Protein context (NP_002476.2, residues 1-15): MWKL[Leu5Gln]PAAGPAGGEP